The following is an entry in ClinVar:

ClinVar aggregate classification (germline): Uncertain significance. Review status: criteria provided, multiple submitters, no conflicts (2 of 4 stars). 3 submissions from 3 submitters: Uncertain significance (3). Last evaluated 2022-03-15.

Conditions:
Hereditary cancer-predisposing syndrome. Also called: Neoplastic Syndromes, Hereditary; Hereditary Cancer Syndrome; Hereditary neoplastic syndrome; Tumor predisposition. Identifiers: Orphanet 140162, MedGen C0027672, MeSH D009386, MONDO:0015356.
Cardiovascular phenotype. Identifiers: MedGen CN230736.
Neurofibromatosis, type 1 (NF1). Also called: Neurofibromatosis, type I; Peripheral type neurofibromatosis; VON RECKLINGHAUSEN DISEASE; NEUROFIBROMATOSIS, TYPE I, SOMATIC. Identifiers: Orphanet 636, MedGen C0027831, MONDO:0018975, OMIM 162200. Disease mechanism: loss of function.

Submissions (3):

Genome-Nilou Lab
Classification: Uncertain significance for Neurofibromatosis, type 1. Last evaluated: 2022-03-15. Review status: criteria provided, single submitter. Criteria: ACMG Guidelines, 2015. Collection method: clinical testing. Allele origin: germline. Affected: no.

Ambry Genetics
Classification: Uncertain significance for Cardiovascular phenotype; Hereditary cancer-predisposing syndrome. Last evaluated: 2019-12-02. Review status: criteria provided, single submitter. Criteria: Ambry Variant Classification Scheme 2023. Collection method: clinical testing. Allele origin: germline.
Comment: The p.G2518A variant (also known as c.7553G>C) is located in coding exon 51 of the NF1 gene. The glycine at codon 2518 is replaced by alanine, an amino acid with similar properties. This change occurs in the first base pair of coding exon 51. This amino acid position is highly conserved in available vertebrate species. In addition, the in silico prediction for this alteration is inconclusive. Since supporting evidence is limited at this time, the clinical significance of this alteration remains unclear.

Labcorp Genetics (formerly Invitae), Labcorp
Classification: Uncertain significance for Neurofibromatosis, type 1. Last evaluated: 2019-04-04. Review status: criteria provided, single submitter. Criteria: Invitae Variant Classification Sherloc (09022015). Collection method: clinical testing. Allele origin: germline.
Comment: This sequence change replaces glycine with alanine at codon 2518 of the NF1 protein (p.Gly2518Ala). The glycine residue is moderately conserved and there is a small physicochemical difference between glycine and alanine. This variant is not present in population databases (ExAC no frequency). This variant has not been reported in the literature in individuals with NF1-related conditions. Algorithms developed to predict the effect of missense changes on protein structure and function are either unavailable or do not agree on the potential impact of this missense change (SIFT: "Deleterious"; PolyPhen-2: "Probably Damaging"; Align-GVGD: "Class C0"). Algorithms developed to predict the effect of sequence changes on RNA splicing suggest that this variant may disrupt the consensus splice site, but this prediction has not been confirmed by published transcriptional studies. In summary, the available evidence is currently insufficient to determine the role of this variant in disease. Therefore, it has been classified as a Variant of Uncertain Significance.

NM_001042492.3(NF1):c.7616G>C (p.Gly2539Ala)

Gene: NF1 (neurofibromin 1; plus strand). Cytogenetic location: 17q11.2.
Variant type: single nucleotide variant.
Coding change: c.7616G>C on transcript NM_001042492.3 (MANE Select); coding-DNA position 7616, G replaced by C.
Protein change: p.Gly2539Ala; replaces glycine 2539 with alanine.
Molecular consequence: missense variant.
Genome position (GRCh38, 1-based): chr17:31,356,460, G>C. VCF-style: chr17-31356460-G-C. GRCh37 (hg19) VCF-style: chr17-29683478-G-C.
Other names: c.7553G>C, p.Gly2518Ala (NM_000267.4); short protein forms G2518A, G2539A.
Identifiers: ClinVar variation 827120 (VCV000827120.12), dbSNP rs1597865736, ClinGen allele CA399017969.
Genomic context (GRCh38, chr17:31,356,460, plus strand): 5'-TATTCCCATTTATAGACACTGTAGTTAATGAACTTGCATATTCTTAACTTTTGTTTATAG[G>C]AACAAGGAAAAGTTTTGATCACTTGATATCAGACACAAAGGCTCCTAAAAGGCAAGAAAT-3'
Protein context (NP_001035957.1, residues 2529-2549): PSQANTKKLL[Gly2539Ala]TRKSFDHLIS